The following is an entry in ClinVar:

NM_198525.3(KIF7):c.506G>A (p.Arg169Gln)

Gene: KIF7 (kinesin family member 7; minus strand). Cytogenetic location: 15q26.1.
Variant type: single nucleotide variant.
Coding change: c.506G>A on transcript NM_198525.3 (MANE Select); coding-DNA position 506, G replaced by A.
Protein change: p.Arg169Gln; replaces arginine 169 with glutamine.
Molecular consequence: missense variant.
Genome position (GRCh38, 1-based): chr15:89,649,764, C>T on the plus strand (G>A on the coding strand, the complement: KIF7 is on the minus strand). VCF-style: chr15-89649764-C-T. GRCh37 (hg19) VCF-style: chr15-90192995-C-T.
Other names: short protein forms R169Q.
Identifiers: ClinVar variation 1400264 (VCV001400264.5), dbSNP rs766793289, ClinGen allele CA7728629.
Genomic context (GRCh38, chr15:89,649,764, plus strand): 5'-CCCCTCTCCGTCAGTGGAGGACCCCAGAGTTCCTCACCAACATTCCCGCGCTCATCTTCC[C>T]GGAGCTGGATGTCACGGCTGGCAGTGCCCACCTCGAGCAGGTCTCGGAACTCCTCCTTGT-3'
Protein context (NP_940927.2, residues 159-179): VGTASRDIQL[Arg169Gln]EDERGNVVLC

ClinVar aggregate classification (germline): Uncertain significance (1 of 4 stars; one submission).

Conditions:
Acrocallosal syndrome (ACLS). Also called: HALLUX DUPLICATION, POSTAXIAL POLYDACTYLY, AND ABSENCE OF CORPUS CALLOSUM; Schinzel syndrome 1; Absence of corpus callosum with unusual facial appearance, mental deficiency, duplication of the halluces and polydactyly. Identifiers: Orphanet 36, MedGen C0796147, MONDO:0008708, OMIM 200990.

Allele frequency attached by ClinVar (database versions not stated): gnomAD exomes 0.00002; TOPMed 0.00002; ExAC 0.00009.
gnomAD v4.1: 36 of 1,551,782 alleles (0.0023%); highest among the groups gnomAD compares: Admixed American, 0.0039%; no homozygotes.

Submission:

Labcorp Genetics (formerly Invitae), Labcorp
Classification: Uncertain significance for Acrocallosal syndrome. Last evaluated: 2023-07-07. Review status: criteria provided, single submitter. Criteria: Invitae Variant Classification Sherloc (09022015). Collection method: clinical testing. Allele origin: germline.
Comment: In summary, the available evidence is currently insufficient to determine the role of this variant in disease. Therefore, it has been classified as a Variant of Uncertain Significance. Advanced modeling of protein sequence and biophysical properties (such as structural, functional, and spatial information, amino acid conservation, physicochemical variation, residue mobility, and thermodynamic stability) has been performed at Invitae for this missense variant, however the output from this modeling did not meet the statistical confidence thresholds required to predict the impact of this variant on KIF7 protein function. ClinVar contains an entry for this variant (Variation ID: 1400264). This variant has not been reported in the literature in individuals affected with KIF7-related conditions. This variant is present in population databases (rs766793289, gnomAD 0.01%). This sequence change replaces arginine, which is basic and polar, with glutamine, which is neutral and polar, at codon 169 of the KIF7 protein (p.Arg169Gln).